The following is an entry in ClinVar:

ClinVar aggregate classification (germline): Uncertain significance. Review status: reviewed by expert panel (3 of 4 stars). 7 submissions from 7 submitters: Uncertain significance (1). 6 of the submissions do not count toward it. Last evaluated 2026-04-07.

Conditions:
Glycogen storage disease, type II (IOPD). Also called: Pompe Disease; Glycogen storage disease type 2; Acid maltase deficiency disease; Aglucosidase alfa; Deficiency of alpha-glucosidase; Deficiency of lysosomal alpha-glucosidase. Identifiers: Orphanet 365, MedGen C0017921, MONDO:0009290, OMIM 232300.

Allele frequency attached by ClinVar (database versions not stated): gnomAD 0.00001; ExAC 0.00002; TOPMed 0.00001; gnomAD exomes 0.00001.
gnomAD v4.1: 21 of 1,612,948 alleles (0.0013%); highest among the groups gnomAD compares: Admixed American, 0.0033%; no homozygotes.

Submissions (7):

ClinGen Lysosomal Storage Disorder Variant Curation Expert Panel
Classification: Uncertain significance for Glycogen storage disease, type II. Last evaluated: 2026-04-07. Review status: reviewed by expert panel. Criteria: clingen_lsd_acmg_specifications_v2-1. Collection method: curation. Allele origin: germline. Inheritance: Autosomal recessive inheritance.
Comment: The NM_000152.5: c.701C>T variant in GAA is a missense variant predicted to result in substitution of threonine by methionine at amino acid 627 (p.Thr627Met). Two individuals have been reported who are compound heterozygous for the variant and another variant in GAA, either c.-32-13T>G (PMID: 36310651) or c.1996dupG (PMID: 37212008). However, as there is currently insufficient evidence to support the diagnosis of Pompe disease in either case, neither PM3 not PP4 is met at any strength. The computational predictor REVEL gives a score of 0.802 which is above the threshold of 0.7, evidence that correlates with impact to GAA function (PP3). The highest population minor allele frequency in gnomAD v4.1.0. is 0.00003333 (2/60002 alleles) in the Admixed American population, which is lower than the ClinGen LSD VCEP threshold (<0.001) for PM2_Supporting, meeting this criterion (PM2_Supporting). There is a ClinVar entry for this variant (Variation ID: 1190471). In summary, this variant meets the criteria to be classified as a variant of uncertain significance for Pompe disease. GAA-specific ACMG/AMP criteria met, as specified by the ClinGen Lysosomal Diseases Variant Curation Expert Panel (Specifications version 2.0.0): PP3, PM2_Supporting. (Classification approved by the ClinGen Lysosomal Diseases Variant Curation Expert Panel, April 7, 2026)

Genomenon, Inc
Classification: Uncertain significance for Glycogen storage disease, type II. Last evaluated: 2026-07-01. Review status: criteria provided, single submitter. Criteria: Genomenon Sequence Variant Interpretation Standards - Updated. Collection method: curation. Allele origin: germline. Affected: yes. Not counted in ClinVar's aggregate classification.
Comment: GAA p.Thr234Met (c.701C>T) is a missense variant that changes the amino acid at codon 234 from Threonine to Methionine. This variant has been observed in at least one proband with a GAA-related disorder in the compound heterozygous and/or homozygous state (PMID:36310651). The presence of pathogenic/likely pathogenic missense variant(s) at the same amino acid position indicates that this residue is likely important for protein function. It is absent or not present at a significant frequency in gnomAD. In silico models predict that this variant is possibly or probably damaging. In conclusion, we classify GAA p.Thr234Met (c.701C>T) as a variant of uncertain significance.

Labcorp Genetics (formerly Invitae), Labcorp
Classification: Pathogenic for Glycogen storage disease, type II. Last evaluated: 2025-12-23. Review status: criteria provided, single submitter. Criteria: Invitae Variant Classification Sherloc (09022015). Collection method: clinical testing. Allele origin: germline. Not counted in ClinVar's aggregate classification.
Comment: This sequence change replaces threonine, which is neutral and polar, with methionine, which is neutral and non-polar, at codon 234 of the GAA protein (p.Thr234Met). This variant is present in population databases (rs752054011, gnomAD 0.003%). This missense change has been observed in individual(s) with Pompe disease (PMID: 36310651). ClinVar contains an entry for this variant (Variation ID: 1190471). Invitae Evidence Modeling of protein sequence and biophysical properties (such as structural, functional, and spatial information, amino acid conservation, physicochemical variation, residue mobility, and thermodynamic stability) indicates that this missense variant is expected to disrupt GAA protein function with a positive predictive value of 95%. This variant disrupts the p.Thr234 amino acid residue in GAA. Other variant(s) that disrupt this residue have been determined to be pathogenic (PMID: 22644586, 22676651, 34852371). This suggests that this residue is clinically significant, and that variants that disrupt this residue are likely to be disease-causing. For these reasons, this variant has been classified as Pathogenic.

Natera, Inc.
Classification: Likely pathogenic for Glycogen storage disease type II. Last evaluated: 2025-11-12. Review status: criteria provided, single submitter. Criteria: Natera Variant Classification Schema (03/2026). Collection method: clinical testing. Allele origin: germline. Not counted in ClinVar's aggregate classification.
Comment: The c.701C>T variant in GAA is a missense variant predicted to cause substitution of threonine to methionine at amino acid 234. This variant is rare in the general population with a frequency below the threshold expected for the associated phenotype(s). This variant has been observed in one or more individuals affected with the associated recessive disease, as either homozygous or compound heterozygous with a second variant (PMID: 37212008, 36310651, 28450385). Computational prediction algorithms indicate this variant is likely to affect gene or protein function. Given the available evidence, this variant is classified as Likely Pathogenic.

Genomic Medicine Center of Excellence, King Faisal Specialist Hospital and Research Centre
Classification: Likely pathogenic for Glycogen storage disease, type II. Last evaluated: 2024-12-19. Review status: criteria provided, single submitter. Criteria: ACMG Guidelines, 2015. Collection method: clinical testing. Allele origin: germline. Not counted in ClinVar's aggregate classification.

Revvity Omics, Revvity
Classification: Uncertain significance. Last evaluated: 2022-12-08. Review status: criteria provided, single submitter. Criteria: ACMG Guidelines, 2015. Collection method: clinical testing. Allele origin: germline. Not counted in ClinVar's aggregate classification.

GeneDx
Classification: Uncertain significance. Last evaluated: 2019-11-11. Review status: criteria provided, single submitter. Criteria: GeneDx Variant Classification Process June 2021. Collection method: clinical testing. Allele origin: germline. Affected: yes. Not counted in ClinVar's aggregate classification.
Comment: Not observed at a significant frequency in large population cohorts (Lek et al., 2016); In silico analysis, which includes protein predictors and evolutionary conservation, supports a deleterious effect

Literature cited by the submitters: PubMed 36310651 (cited by 3 submitters); PubMed 22644586 (cited by Labcorp Genetics (formerly Invitae), Labcorp); PubMed 22676651 (cited by Labcorp Genetics (formerly Invitae), Labcorp); PubMed 34852371 (cited by Labcorp Genetics (formerly Invitae), Labcorp); PubMed 37212008 (cited by Natera, Inc.); PubMed 28450385 (cited by Natera, Inc.).

NM_000152.5(GAA):c.701C>T (p.Thr234Met)

Gene: GAA (alpha glucosidase; plus strand). Cytogenetic location: 17q25.3.
Variant type: single nucleotide variant.
Coding change: c.701C>T on transcript NM_000152.5 (MANE Select); coding-DNA position 701, C replaced by T.
Protein change: p.Thr234Met; replaces threonine 234 with methionine.
Molecular consequence: missense variant.
Genome position (GRCh38, 1-based): chr17:80,107,565, C>T. VCF-style: chr17-80107565-C-T. GRCh37 (hg19) VCF-style: chr17-78081364-C-T.
Other names: NM_000152.5(GAA):c.701C>T; p.Thr234Met; c.701C>T, p.Thr234Met (NM_001079803.3, NM_001079804.3); c.701C>T (NM_000152.4); short protein forms T234M.
Identifiers: ClinVar variation 1190471 (VCV001190471.16), dbSNP rs752054011, ClinGen allele CA8814994.